The following is an entry in ClinVar:

NM_000256.3(MYBPC3):c.1745A>G (p.Lys582Arg)

Gene: MYBPC3 (myosin binding protein C3; minus strand). Cytogenetic location: 11p11.2.
Variant type: single nucleotide variant.
Coding change: c.1745A>G on transcript NM_000256.3 (MANE Select); coding-DNA position 1745, A replaced by G.
Protein change: p.Lys582Arg; replaces lysine 582 with arginine.
Molecular consequence: missense variant.
Genome position (GRCh38, 1-based): chr11:47,342,036, T>C on the plus strand (A>G on the coding strand, the complement: MYBPC3 is on the minus strand). VCF-style: chr11-47342036-T-C. GRCh37 (hg19) VCF-style: chr11-47363587-T-C.
Other names: short protein forms K582R.
Identifiers: ClinVar variation 3766568 (VCV003766568.1).

ClinVar aggregate classification (germline): Uncertain significance (1 of 4 stars; one submission).

Submission:

ARUP Laboratories, Molecular Genetics and Genomics, ARUP Laboratories
Classification: Uncertain significance. Last evaluated: 2024-04-16. Review status: criteria provided, single submitter. Criteria: ARUP Molecular Germline Variant Investigation Process 2024. Collection method: clinical testing. Allele origin: germline.
Comment: The MYBPC3 c.1745A>G; p.Lys582Arg variant, to our knowledge, is not reported in the medical literature or gene specific databases. This variant is also absent from the Genome Aggregation Database (v2.1.1), indicating it is not a common polymorphism. Computational analyses predict that this variant is neutral (REVEL: 0.026). However, given the lack of clinical and functional data, the significance of this variant is uncertain at this time.